The following is an entry in ClinVar:

NM_002206.3(ITGA7):c.259C>T (p.Arg87Cys)

Gene: ITGA7 (integrin subunit alpha 7; minus strand). Cytogenetic location: 12q13.2.
Variant type: single nucleotide variant.
Coding change: c.259C>T on transcript NM_002206.3 (MANE Select); coding-DNA position 259, C replaced by T.
Protein change: p.Arg87Cys; replaces arginine 87 with cysteine.
Molecular consequence: missense variant. On other transcripts: 5 prime UTR variant (3), intron variant (1).
Genome position (GRCh38, 1-based): chr12:55,703,126, G>A on the plus strand (C>T on the coding strand, the complement: ITGA7 is on the minus strand). VCF-style: chr12-55703126-G-A. GRCh37 (hg19) VCF-style: chr12-56096910-G-A.
Other names: p.Arg87Cys; c.259C>T, p.Arg87Cys (NM_001144996.2, NM_001374465.1, NM_001410977.1 and 6 more transcripts); c.-81C>T (NM_001367993.1, NM_001414035.1); c.-914C>T (NM_001367994.1); c.86-1710C>T (NM_001144997.2); short protein forms R87C.
Identifiers: ClinVar variation 470575 (VCV000470575.11), dbSNP rs140570573, ClinGen allele CA6616408.
Genomic context (GRCh38, chr12:55,703,126, plus strand): 5'-CCACTCTGTAGCAGTCAGTCTCCTCCAGGCTCAACGGGCAAGCGAAGAGGCCTCCAGTGC[G>A]ATTCGCCTGCTGCCCAGGAAGAGCCAGGGCCTGGGGAGCACCCACCAGCAGCCTGCAAGA-3'
Protein context (NP_002197.2, residues 77-97): ALALPGQQAN[Arg87Cys]TGGLFACPLS

ClinVar aggregate classification (germline): Uncertain significance. Review status: criteria provided, multiple submitters, no conflicts (2 of 4 stars). 4 submissions from 4 submitters: Uncertain significance (4). Last evaluated 2025-08-07.

Conditions:
Congenital muscular dystrophy due to integrin alpha-7 deficiency. Also called: Congenital muscular dystrophy with integrin alpha-7 deficiency; Muscular dystrophy, congenital, due to ITGA7 deficiency; MYOPATHY, CONGENITAL, DUE TO INTEGRIN ALPHA-7 DEFICIENCY. Identifiers: Orphanet 34520, MedGen C2750786, MONDO:0013177, OMIM 613204.

Allele frequency attached by ClinVar (database versions not stated): ExAC 0.00003; gnomAD exomes 0.00004; gnomAD 0.00005; ESP Exome Variant Server 0.00008; TOPMed 0.00008.

Submissions (4):

Revvity Omics, Revvity
Classification: Uncertain significance for Congenital muscular dystrophy due to integrin alpha-7 deficiency. Last evaluated: 2025-08-07. Review status: criteria provided, single submitter. Criteria: ACMG Guidelines, 2015. Collection method: clinical testing. Allele origin: germline.

Mayo Clinic Laboratories, Mayo Clinic
Classification: Uncertain significance. Last evaluated: 2025-07-18. Review status: criteria provided, single submitter. Criteria: ACMG Guidelines, 2015. Collection method: clinical testing. Allele origin: germline. Observed: 1 variant allele.
Comment: PP3, PM2_supporting

GeneDx
Classification: Uncertain significance. Last evaluated: 2023-04-18. Review status: criteria provided, single submitter. Criteria: GeneDx Variant Classification Process June 2021. Collection method: clinical testing. Allele origin: germline. Affected: yes.
Comment: Not observed at significant frequency in large population cohorts (gnomAD); In silico analysis supports that this missense variant has a deleterious effect on protein structure/function; Has not been previously published as pathogenic or benign to our knowledge

Labcorp Genetics (formerly Invitae), Labcorp
Classification: Uncertain significance for Congenital muscular dystrophy due to integrin alpha-7 deficiency. Last evaluated: 2022-09-12. Review status: criteria provided, single submitter. Criteria: Invitae Variant Classification Sherloc (09022015). Collection method: clinical testing. Allele origin: germline.
Comment: This sequence change replaces arginine, which is basic and polar, with cysteine, which is neutral and slightly polar, at codon 87 of the ITGA7 protein (p.Arg87Cys). This variant is present in population databases (rs140570573, gnomAD 0.007%). This variant has not been reported in the literature in individuals affected with ITGA7-related conditions. ClinVar contains an entry for this variant (Variation ID: 470575). Algorithms developed to predict the effect of missense changes on protein structure and function are either unavailable or do not agree on the potential impact of this missense change (SIFT: "Deleterious"; PolyPhen-2: "Probably Damaging"; Align-GVGD: "Class C0"). In summary, the available evidence is currently insufficient to determine the role of this variant in disease. Therefore, it has been classified as a Variant of Uncertain Significance.